The following is an entry in ClinVar:

ClinVar aggregate classification (germline): Uncertain significance. Review status: criteria provided, multiple submitters, no conflicts (2 of 4 stars). 2 submissions from 2 submitters: Uncertain significance (2). Last evaluated 2024-04-05.

Conditions:
Renal cell carcinoma. Identifiers: Orphanet 217071, MedGen C0007134, MeSH D002292, MONDO:0005086, HP:0005584.
Hereditary cancer-predisposing syndrome. Also called: Hereditary Cancer Syndrome; Neoplastic Syndromes, Hereditary; Hereditary neoplastic syndrome; Tumor predisposition. Identifiers: Orphanet 140162, MedGen C0027672, MeSH D009386, MONDO:0015356.

Submissions (2):

Ambry Genetics
Classification: Uncertain significance for Hereditary cancer-predisposing syndrome. Last evaluated: 2024-04-05. Review status: criteria provided, single submitter. Criteria: Ambry Variant Classification Scheme 2023. Collection method: clinical testing. Allele origin: germline.
Comment: The p.N803K variant (also known as c.2409C>A), located in coding exon 9 of the MET gene, results from a C to A substitution at nucleotide position 2409. The asparagine at codon 803 is replaced by lysine, an amino acid with similar properties. This amino acid position is conserved. In addition, this alteration is predicted to be tolerated by in silico analysis. Based on the available evidence, the clinical significance of this variant remains unclear.

Labcorp Genetics (formerly Invitae), Labcorp
Classification: Uncertain significance for Renal cell carcinoma. Last evaluated: 2023-07-14. Review status: criteria provided, single submitter. Criteria: Invitae Variant Classification Sherloc (09022015). Collection method: clinical testing. Allele origin: germline.
Comment: In summary, the available evidence is currently insufficient to determine the role of this variant in disease. Therefore, it has been classified as a Variant of Uncertain Significance. Advanced modeling of protein sequence and biophysical properties (such as structural, functional, and spatial information, amino acid conservation, physicochemical variation, residue mobility, and thermodynamic stability) performed at Invitae indicates that this missense variant is not expected to disrupt MET protein function. This variant has not been reported in the literature in individuals affected with MET-related conditions. This variant is not present in population databases (gnomAD no frequency). This sequence change replaces asparagine, which is neutral and polar, with lysine, which is basic and polar, at codon 803 of the MET protein (p.Asn803Lys).

NM_000245.4(MET):c.2355C>A (p.Asn785Lys)

Gene: MET (MET proto-oncogene, receptor tyrosine kinase; plus strand). Cytogenetic location: 7q31.2.
Variant type: single nucleotide variant.
Coding change: c.2355C>A on transcript NM_000245.4 (MANE Select); coding-DNA position 2355, C replaced by A.
Protein change: p.Asn785Lys; replaces asparagine 785 with lysine.
Molecular consequence: missense variant.
Genome position (GRCh38, 1-based): chr7:116,759,481, C>A. VCF-style: chr7-116759481-C-A. GRCh37 (hg19) VCF-style: chr7-116399535-C-A.
Other names: c.2409C>A, p.Asn803Lys (NM_001127500.3); c.2355C>A, p.Asn785Lys (NM_001324401.3); c.1065C>A, p.Asn355Lys (NM_001324402.2); short protein forms N355K, N803K, N785K.
Identifiers: ClinVar variation 2743363 (VCV002743363.4), dbSNP rs2485727230, ClinGen allele CA368982549.